The following is an entry in ClinVar:

NM_032409.3(PINK1):c.960-2A>G

Genes: PINK1 (PTEN induced kinase 1; plus strand), PINK1-AS (PINK1 antisense RNA; minus strand). Cytogenetic location: 1p36.12.
Variant type: single nucleotide variant.
Coding change: c.960-2A>G on transcript NM_032409.3 (MANE Select); the canonical splice acceptor site of the intron before coding-DNA position 960, A replaced by G.
Molecular consequence: splice acceptor variant.
Genome position (GRCh38, 1-based): chr1:20,645,558, A>G. VCF-style: chr1-20645558-A-G. GRCh37 (hg19) VCF-style: chr1-20972051-A-G.
Identifiers: ClinVar variation 2628394 (VCV002628394.3), dbSNP rs2545259625, ClinGen allele CA338832951.

ClinVar aggregate classification (germline): Likely pathogenic. Review status: criteria provided, multiple submitters, no conflicts (2 of 4 stars). 2 submissions from 2 submitters: Likely pathogenic (2). Last evaluated 2024-03-01.

Conditions:
Autosomal recessive early-onset Parkinson disease 6 (PARK6). Also called: PINK1 Type of Young-Onset Parkinson Disease; PINK1-Related Parkinson Disease; PARKINSON DISEASE 6, MODIFIER OF; PARKINSON DISEASE 6, EARLY-ONSET. Identifiers: Orphanet 2828, MedGen C1853833, MONDO:0011613, OMIM 605909.
PINK1-related disorder. Also called: PINK1-related condition.

Allele frequency attached by ClinVar (database versions not stated): gnomAD exomes below 0.00001.

Submissions (2):

Labcorp Genetics (formerly Invitae), Labcorp
Classification: Likely pathogenic for Autosomal recessive early-onset Parkinson disease 6. Last evaluated: 2024-03-01. Review status: criteria provided, single submitter. Criteria: Invitae Variant Classification Sherloc (09022015). Collection method: clinical testing. Allele origin: germline.
Comment: This sequence change affects an acceptor splice site in intron 4 of the PINK1 gene. It is expected to disrupt RNA splicing. Variants that disrupt the donor or acceptor splice site typically lead to a loss of protein function (PMID: 16199547), and loss-of-function variants in PINK1 are known to be pathogenic (PMID: 15087508, 15349870). This variant is not present in population databases (gnomAD no frequency). Disruption of this splice site has been observed in individual(s) with Parkinson disease (PMID: 33045815; Invitae). ClinVar contains an entry for this variant (Variation ID: 2628394). Algorithms developed to predict the effect of sequence changes on RNA splicing suggest that this variant may disrupt the consensus splice site. In summary, the currently available evidence indicates that the variant is pathogenic, but additional data are needed to prove that conclusively. Therefore, this variant has been classified as Likely Pathogenic.

PreventionGenetics, part of Exact Sciences
Classification: Likely pathogenic for PINK1-related condition. Last evaluated: 2022-10-04. Review status: criteria provided, single submitter. Criteria: ACMG Guidelines, 2015. Collection method: clinical testing. Allele origin: germline.
Comment: The PINK1 c.960-2A>G variant is predicted to disrupt the AG splice acceptor site and interfere with normal splicing. This variant was associated with Parkinson disease (Lesage S et al 2020. PubMed ID: 33045815). This variant has not been reported in a large population database, indicating this variant is rare. Variants that disrupt the consensus splice acceptor site in PINK1 are expected to be pathogenic. This variant is interpreted as likely pathogenic.

Literature cited by the submitters: PubMed 16199547 (cited by Labcorp Genetics (formerly Invitae), Labcorp); PubMed 15087508 (cited by Labcorp Genetics (formerly Invitae), Labcorp); PubMed 15349870 (cited by Labcorp Genetics (formerly Invitae), Labcorp); PubMed 33045815 (cited by Labcorp Genetics (formerly Invitae), Labcorp).